The following is an entry in ClinVar:

ClinVar aggregate classification (germline): Uncertain significance (1 of 4 stars; one submission).

Allele frequency attached by ClinVar (database versions not stated): gnomAD exomes below 0.00001.
gnomAD v4.1: 1 of 1,614,172 alleles (0.000062%); highest among the groups gnomAD compares: Non-Finnish European, 0.000085%; no homozygotes.

Submission:

Ambry Genetics
Classification: Uncertain significance. Last evaluated: 2023-09-14. Review status: criteria provided, single submitter. Criteria: Ambry Variant Classification Scheme 2023. Collection method: clinical testing. Allele origin: germline.
Comment: The p.K143M variant (also known as c.428A>T), located in coding exon 3 of the ALPK2 gene, results from an A to T substitution at nucleotide position 428. The lysine at codon 143 is replaced by methionine, an amino acid with similar properties. This amino acid position is conserved. In addition, this alteration is predicted to be tolerated by in silico analysis. Since supporting evidence is limited at this time, the clinical significance of this alteration remains unclear.

NM_052947.4(ALPK2):c.428A>T (p.Lys143Met)

Gene: ALPK2 (alpha kinase 2; minus strand). Cytogenetic location: 18q21.31.
Variant type: single nucleotide variant.
Coding change: c.428A>T on transcript NM_052947.4 (MANE Select); coding-DNA position 428, A replaced by T.
Protein change: p.Lys143Met; replaces lysine 143 with methionine.
Molecular consequence: missense variant.
Genome position (GRCh38, 1-based): chr18:58,580,348, T>A on the plus strand (A>T on the coding strand, the complement: ALPK2 is on the minus strand). VCF-style: chr18-58580348-T-A. GRCh37 (hg19) VCF-style: chr18-56247580-T-A.
Other names: short protein forms K143M.
Identifiers: ClinVar variation 2626052 (VCV002626052.2), dbSNP rs2518900264, ClinGen allele CA402567994.